The following is an entry in ClinVar:

NM_001083962.2(TCF4):c.836C>T (p.Pro279Leu)

Genes: TCF4 (transcription factor 4; minus strand), LOC126862757 (CDK7 strongly-dependent group 2 enhancer GRCh37_chr18:52936433-52937632; plus strand). Cytogenetic location: 18q21.2.
Variant type: single nucleotide variant.
Coding change: c.836C>T on transcript NM_001083962.2 (MANE Select); coding-DNA position 836, C replaced by T.
Protein change: p.Pro279Leu; replaces proline 279 with leucine.
Molecular consequence: missense variant.
Genome position (GRCh38, 1-based): chr18:55,269,917, G>A on the plus strand (C>T on the coding strand, the complement: TCF4 is on the minus strand). VCF-style: chr18-55269917-G-A. GRCh37 (hg19) VCF-style: chr18-52937148-G-A.
Other names: c.1142C>T, p.Pro381Leu (NM_001243226.3); c.764C>T, p.Pro255Leu (NM_001243227.2, NM_001306207.1, NM_001348217.1 and 9 more transcripts); c.854C>T, p.Pro285Leu (NM_001243228.2); c.830C>T, p.Pro277Leu (NM_001243230.2); c.710C>T, p.Pro237Leu (NM_001243231.2, NM_001348211.2); c.623C>T, p.Pro208Leu (NM_001243232.1, NM_001306208.1); c.446C>T, p.Pro149Leu (NM_001243233.2, NM_001330605.3, NM_001348212.2 and 1 more transcripts); c.356C>T, p.Pro119Leu (NM_001243234.2, NM_001243235.2, NM_001243236.2 and 2 more transcripts); and 4 more; short protein forms P208L, P254L, P277L, P278L, P285L, P237L, P63L, P119L.
Identifiers: ClinVar variation 842606 (VCV000842606.10), dbSNP rs772975240, ClinGen allele CA8970381.

ClinVar aggregate classification (germline): Uncertain significance (1 of 4 stars; one submission).

Conditions:
Pitt-Hopkins syndrome (PTHS). Also called: MENTAL RETARDATION, SYNDROMAL, WITH INTERMITTENT HYPERVENTILATION; ENCEPHALOPATHY, SEVERE EPILEPTIC, WITH AUTONOMIC DYSFUNCTION. Identifiers: Orphanet 2896, MedGen C1970431, MONDO:0012589, OMIM 610954.

Allele frequency attached by ClinVar (database versions not stated): gnomAD exomes below 0.00001 and 0.00001; ExAC 0.00001; gnomAD 0.00002; TOPMed 0.00001.
gnomAD v4.1: 17 of 1,613,162 alleles (0.0011%); highest among the groups gnomAD compares: Non-Finnish European, 0.0014%; no homozygotes.

Submission:

Labcorp Genetics (formerly Invitae), Labcorp
Classification: Uncertain significance for Pitt-Hopkins syndrome. Last evaluated: 2023-12-22. Review status: criteria provided, single submitter. Criteria: Invitae Variant Classification Sherloc (09022015). Collection method: clinical testing. Allele origin: germline.
Comment: This sequence change replaces proline, which is neutral and non-polar, with leucine, which is neutral and non-polar, at codon 279 of the TCF4 protein (p.Pro279Leu). The frequency data for this variant in the population databases is considered unreliable, as metrics indicate poor data quality at this position in the gnomAD database. This variant has not been reported in the literature in individuals affected with TCF4-related conditions. ClinVar contains an entry for this variant (Variation ID: 842606). Advanced modeling of protein sequence and biophysical properties (such as structural, functional, and spatial information, amino acid conservation, physicochemical variation, residue mobility, and thermodynamic stability) has been performed at Invitae for this missense variant, however the output from this modeling did not meet the statistical confidence thresholds required to predict the impact of this variant on TCF4 protein function. In summary, the available evidence is currently insufficient to determine the role of this variant in disease. Therefore, it has been classified as a Variant of Uncertain Significance.